The following is an entry in ClinVar:

ClinVar aggregate classification (germline): Uncertain significance (1 of 4 stars; one submission).

Allele frequency attached by ClinVar (database versions not stated): gnomAD exomes 0.00002; TOPMed 0.00002; ExAC 0.00003.
gnomAD v4.1: 25 of 1,604,826 alleles (0.0016%); highest among the groups gnomAD compares: Middle Eastern, 0.018%; no homozygotes.

Submission:

Labcorp Genetics (formerly Invitae), Labcorp
Classification: Uncertain significance. Last evaluated: 2022-11-20. Review status: criteria provided, single submitter. Criteria: Invitae Variant Classification Sherloc (09022015). Collection method: clinical testing. Allele origin: germline.
Comment: This variant has not been reported in the literature in individuals affected with LAMA5-related conditions. In summary, the available evidence is currently insufficient to determine the role of this variant in disease. Therefore, it has been classified as a Variant of Uncertain Significance. Advanced modeling of protein sequence and biophysical properties (such as structural, functional, and spatial information, amino acid conservation, physicochemical variation, residue mobility, and thermodynamic stability) performed at Invitae indicates that this missense variant is expected to disrupt LAMA5 protein function. The frequency data for this variant in the population databases is considered unreliable, as metrics indicate poor data quality at this position in the gnomAD database. This sequence change replaces arginine, which is basic and polar, with tryptophan, which is neutral and slightly polar, at codon 2555 of the LAMA5 protein (p.Arg2555Trp).

NM_005560.6(LAMA5):c.7663C>T (p.Arg2555Trp)

Gene: LAMA5 (laminin subunit alpha 5; minus strand). Cytogenetic location: 20q13.33.
Variant type: single nucleotide variant.
Coding change: c.7663C>T on transcript NM_005560.6 (MANE Select); coding-DNA position 7663, C replaced by T.
Protein change: p.Arg2555Trp; replaces arginine 2555 with tryptophan.
Molecular consequence: missense variant.
Genome position (GRCh38, 1-based): chr20:62,316,764, G>A on the plus strand (C>T on the coding strand, the complement: LAMA5 is on the minus strand). VCF-style: chr20-62316764-G-A. GRCh37 (hg19) VCF-style: chr20-60891820-G-A.
Other names: short protein forms R2555W.
Identifiers: ClinVar variation 2721454 (VCV002721454.1), dbSNP rs780741318, ClinGen allele CA9941088.